The following is an entry in ClinVar:

ClinVar aggregate classification (germline): Uncertain significance (1 of 4 stars; one submission).

Submission:

GeneDx
Classification: Uncertain significance. Last evaluated: 2025-04-25. Review status: criteria provided, single submitter. Criteria: GeneDx Variant Classification Process June 2021. Collection method: clinical testing. Allele origin: germline. Affected: yes.
Comment: Not observed at significant frequency in large population cohorts (gnomAD); In silico analysis indicates that this missense variant does not alter protein structure/function; Has not been previously published as pathogenic or benign to our knowledge

NM_020706.2(SCAF4):c.3385G>C (p.Ala1129Pro)

Gene: SCAF4 (SR-related CTD associated factor 4; minus strand). Cytogenetic location: 21q22.11.
Variant type: single nucleotide variant.
Coding change: c.3385G>C on transcript NM_020706.2 (MANE Select); coding-DNA position 3385, G replaced by C.
Protein change: p.Ala1129Pro; replaces alanine 1129 with proline.
Molecular consequence: missense variant.
Genome position (GRCh38, 1-based): chr21:31,671,458, C>G on the plus strand (G>C on the coding strand, the complement: SCAF4 is on the minus strand). VCF-style: chr21-31671458-C-G. GRCh37 (hg19) VCF-style: chr21-33043771-C-G.
Other names: c.3340G>C, p.Ala1114Pro (NM_001145444.1); c.3319G>C, p.Ala1107Pro (NM_001145445.1); short protein forms A1107P, A1114P, A1129P.
Identifiers: ClinVar variation 4527674 (VCV004527674.1).